The following is an entry in ClinVar:

ClinVar aggregate classification (germline): Pathogenic. Review status: criteria provided, single submitter (1 of 4 stars). 2 submissions from 2 submitters: Pathogenic (1). 1 of the submissions does not count toward it. Last evaluated 2025-10-28.

Conditions:
Alzheimer disease 3 (AD3). Also called: ALZHEIMER DISEASE, FAMILIAL, 3. Identifiers: Orphanet 1020, MedGen C1843013, MONDO:0011913, OMIM 607822.
Acne inversa, familial, 3 (ACNINV3). Identifiers: MedGen C3151038, MONDO:0013398, OMIM 613737.
Frontotemporal dementia (FTD1). Also called: Frontotemporal Dementia with Parkinsonism-17 (FTDP-17); FRONTOTEMPORAL DEMENTIA WITH PARKINSONISM; FRONTOTEMPORAL LOBE DEMENTIA; MULTIPLE SYSTEM TAUOPATHY WITH PRESENILE DEMENTIA; Dementia, frontotemporal, with or without parkinsonism; WILHELMSEN-LYNCH DISEASE. Identifiers: Orphanet 282, MedGen C0338451, MONDO:0017276, OMIM 600274, HP:0002145.
Pick disease. Also called: PICK DISEASE OF BRAIN; DEMENTIA WITH LOBAR ATROPHY AND NEURONAL CYTOPLASMIC INCLUSIONS; LOBAR ATROPHY OF BRAIN; Pick's disease; Pick Disease of the Brain. Identifiers: Orphanet 282, MedGen C0236642, MONDO:0008243, OMIM 172700.

Submissions (2):

Labcorp Genetics (formerly Invitae), Labcorp
Classification: Pathogenic for Alzheimer disease 3; Pick disease; Acne inversa, familial, 3; Frontotemporal dementia. Last evaluated: 2025-10-28. Review status: criteria provided, single submitter. Criteria: Invitae Variant Classification Sherloc (09022015). Collection method: clinical testing. Allele origin: germline.
Comment: This sequence change replaces proline, which is neutral and non-polar, with serine, which is neutral and polar, at codon 117 of the PSEN1 protein (p.Pro117Ser). This variant is not present in population databases (gnomAD no frequency). This missense change has been observed in individuals with clinical features of early-onset Alzheimer disease (PMID: 15004326, 31914229; internal data). It has also been observed to segregate with disease in related individuals. ClinVar contains an entry for this variant (Variation ID: 98017). Invitae Evidence Modeling of protein sequence and biophysical properties (such as structural, functional, and spatial information, amino acid conservation, physicochemical variation, residue mobility, and thermodynamic stability) indicates that this missense variant is expected to disrupt PSEN1 protein function with a positive predictive value of 95%. Experimental studies have shown that this missense change affects PSEN1 function (PMID: 15004326, 33571524). This variant disrupts the p.Pro117 amino acid residue in PSEN1. Other variant(s) that disrupt this residue have been observed in individuals with PSEN1-related conditions (PMID: 14769392, 18024701, 18479822, 28350801), which suggests that this may be a clinically significant amino acid residue. For these reasons, this variant has been classified as Pathogenic.

VIB  Department of Molecular Genetics, University of Antwerp
No classification provided. Review status: no classification provided. Collection method: not provided. Allele origin: not provided. Not counted in ClinVar's aggregate classification.

Literature cited by the submitters: PubMed 15004326 (cited by Labcorp Genetics (formerly Invitae), Labcorp); PubMed 31914229 (cited by Labcorp Genetics (formerly Invitae), Labcorp); PubMed 33571524 (cited by Labcorp Genetics (formerly Invitae), Labcorp); PubMed 14769392 (cited by Labcorp Genetics (formerly Invitae), Labcorp); PubMed 18024701 (cited by Labcorp Genetics (formerly Invitae), Labcorp); PubMed 18479822 (cited by Labcorp Genetics (formerly Invitae), Labcorp); PubMed 28350801 (cited by Labcorp Genetics (formerly Invitae), Labcorp).

NM_000021.4(PSEN1):c.349C>T (p.Pro117Ser)

Gene: PSEN1 (presenilin 1; plus strand). Cytogenetic location: 14q24.2.
Variant type: single nucleotide variant.
Coding change: c.349C>T on transcript NM_000021.4 (MANE Select); coding-DNA position 349, C replaced by T.
Protein change: p.Pro117Ser; replaces proline 117 with serine.
Molecular consequence: missense variant.
Genome position (GRCh38, 1-based): chr14:73,173,576, C>T. VCF-style: chr14-73173576-C-T. GRCh37 (hg19) VCF-style: chr14-73640284-C-T.
Other names: c.337C>T, p.Pro113Ser (NM_007318.3); short protein forms P117S, P113S.
Identifiers: ClinVar variation 98017 (VCV000098017.6), dbSNP rs63750550, ClinGen allele CA225005.
Genomic context (GRCh38, chr14:73,173,576, plus strand): 5'-GTGATCTCCATTAACACTGACCTAGGGCTTTTGTGTTTGTTTTATTGTAGAATCTATACC[C>T]CATTCACAGAAGATACCGAGACTGTGGGCCAGAGAGCCCTGCACTCAATTCTGAATGCTG-3'
Protein context (NP_000012.1, residues 107-127): TRKDGQLIYT[Pro117Ser]FTEDTETVGQ